The following is an entry in ClinVar:

NM_006648.4(WNK2):c.544G>T (p.Asp182Tyr)

Gene: WNK2 (WNK lysine deficient protein kinase 2; plus strand). Cytogenetic location: 9q22.31.
Variant type: single nucleotide variant.
Coding change: c.544G>T on transcript NM_006648.4 (MANE Select); coding-DNA position 544, G replaced by T.
Protein change: p.Asp182Tyr; replaces aspartic acid 182 with tyrosine.
Molecular consequence: missense variant.
Genome position (GRCh38, 1-based): chr9:93,185,473, G>T. VCF-style: chr9-93185473-G-T. GRCh37 (hg19) VCF-style: chr9-95947755-G-T.
Other names: c.544G>T, p.Asp182Tyr (NM_001282394.3); short protein forms D182Y.
Identifiers: ClinVar variation 4866582 (VCV004866582.1).

ClinVar aggregate classification (germline): Uncertain significance (1 of 4 stars; one submission).

Submission:

Ambry Genetics
Classification: Uncertain significance. Last evaluated: 2026-04-11. Review status: criteria provided, single submitter. Criteria: Ambry Variant Classification Scheme 2023. Collection method: clinical testing. Allele origin: germline.
Comment: The p.D182Y variant (also known as c.544G>T), located in coding exon 1 of the WNK2 gene, results from a G to T substitution at nucleotide position 544. The aspartic acid at codon 182 is replaced by tyrosine, an amino acid with highly dissimilar properties. This amino acid position is conserved. In addition, the in silico prediction for this alteration is inconclusive. Based on the available evidence, the clinical significance of this variant remains unclear.